The following is an entry in ClinVar:

NM_001040113.2(MYH11):c.5818C>T (p.Pro1940Ser)

Genes: NDE1 (nudE neurodevelopment protein 1; plus strand), MYH11 (myosin heavy chain 11; minus strand). Cytogenetic location: 16p13.11.
Variant type: single nucleotide variant.
Coding change: c.5818C>T on transcript NM_001040113.2 (MANE Plus Clinical); coding-DNA position 5818, C replaced by T.
Protein change: p.Pro1940Ser; replaces proline 1940 with serine.
Molecular consequence: missense variant. On other transcripts: intron variant (4).
Genome position (GRCh38, 1-based): chr16:15,708,831, G>A on the plus strand (C>T on the coding strand, the complement: MYH11 is on the minus strand). VCF-style: chr16-15708831-G-A. GRCh37 (hg19) VCF-style: chr16-15802688-G-A.
Other names: c.5797C>T, p.Pro1933Ser (NM_022844.3); c.947+11971G>A (NM_001143979.2, NM_017668.3); c.5787-4708C>T (NM_002474.3); c.5808-4708C>T (NM_001040114.2); short protein forms P1933S, P1940S.
Identifiers: ClinVar variation 1332580 (VCV001332580.12), dbSNP rs200884440, ClinGen allele CA7921108.

ClinVar aggregate classification (germline): Uncertain significance. Review status: criteria provided, multiple submitters, no conflicts (2 of 4 stars). 4 submissions from 4 submitters: Uncertain significance (4). Last evaluated 2025-11-24.

Conditions:
Familial thoracic aortic aneurysm and aortic dissection (TAAD). Also called: Thoracic aortic aneurysms and dissections. Identifiers: Orphanet 91387, MedGen C4707243, MONDO:0019625.
Aortic aneurysm, familial thoracic 4 (AAT4). Also called: AORTIC ANEURYSM/AORTIC DISSECTION AND PATENT DUCTUS ARTERIOSUS. Identifiers: MedGen C1851504, MONDO:0007568, OMIM 132900.

gnomAD v4.1: 20 of 1,610,020 alleles (0.0012%); highest among the groups gnomAD compares: Admixed American, 0.032%; no homozygotes.

Submissions (4):

Labcorp Genetics (formerly Invitae), Labcorp
Classification: Uncertain significance for Aortic aneurysm, familial thoracic 4. Last evaluated: 2025-11-24. Review status: criteria provided, single submitter. Criteria: Invitae Variant Classification Sherloc (09022015). Collection method: clinical testing. Allele origin: germline.
Comment: This sequence change replaces proline, which is neutral and non-polar, with serine, which is neutral and polar, at codon 1940 of the MYH11 protein (p.Pro1940Ser). This variant is present in population databases (rs200884440, gnomAD 0.03%). This variant has not been reported in the literature in individuals affected with MYH11-related conditions. ClinVar contains an entry for this variant (Variation ID: 1332580). An algorithm developed to predict the effect of missense changes on protein structure and function (PolyPhen-2) suggests that this variant is likely to be tolerated. In summary, the available evidence is currently insufficient to determine the role of this variant in disease. Therefore, it has been classified as a Variant of Uncertain Significance.

All of Us Research Program, National Institutes of Health
Classification: Uncertain significance for Familial thoracic aortic aneurysm and aortic dissection. Last evaluated: 2024-06-17. Review status: criteria provided, single submitter. Criteria: ACMG Guidelines, 2015. Collection method: clinical testing. Allele origin: germline. Inheritance: Autosomal dominant inheritance. Observed: 4 variant alleles, 4 heterozygotes.
Comment: This missense variant replaces proline with serine at codon 1940 of the MYH11 protein. Computational prediction suggests that this variant may not impact protein structure and function (internally defined REVEL score threshold <= 0.5, PMID: 27666373). To our knowledge, functional studies have not been reported for this variant. This variant has not been reported in individuals affected with cardiovascular disorders in the literature. This variant has been identified in 13/272268 chromosomes in the general population by the Genome Aggregation Database (gnomAD). The available evidence is insufficient to determine the role of this variant in disease conclusively. Therefore, this variant is classified as a Variant of Uncertain Significance.

This study involves interpretation of variants in research participants for the purpose of population health screening. Participant phenotype was not available at the time of variant classification. Additional details can be found in publication PMID: 35346344, PMCID: PMC8962531

Color Diagnostics, LLC DBA Color Health
Classification: Uncertain significance for Familial thoracic aortic aneurysm and aortic dissection. Last evaluated: 2024-02-20. Review status: criteria provided, single submitter. Criteria: ACMG Guidelines, 2015. Collection method: clinical testing. Allele origin: germline.
Comment: This missense variant replaces proline with serine at codon 1940 of the MYH11 protein. Computational prediction tools indicate that this variant has a neutral impact on protein structure and function. To our knowledge, functional studies have not been reported for this variant. This variant has not been reported in individuals affected with MYH11-related disorders in the literature. This variant has been identified in 13/272268 chromosomes in the general population by the Genome Aggregation Database (gnomAD). The available evidence is insufficient to determine the role of this variant in disease conclusively. Therefore, this variant is classified as a Variant of Uncertain Significance.

GeneDx
Classification: Uncertain significance. Last evaluated: 2024-01-22. Review status: criteria provided, single submitter. Criteria: GeneDx Variant Classification Process June 2021. Collection method: clinical testing. Allele origin: germline. Affected: yes.
Comment: Has not been previously published as pathogenic or benign to our knowledge; In silico analysis supports that this missense variant does not alter protein structure/function; Reported using an alternate transcript of the gene